The following is an entry in ClinVar:

NM_021971.4(GMPPB):c.572C>T (p.Thr191Met)

Gene: GMPPB (GDP-mannose pyrophosphorylase B; minus strand). Cytogenetic location: 3p21.31.
Variant type: single nucleotide variant.
Coding change: c.572C>T on transcript NM_021971.4 (MANE Select); coding-DNA position 572, C replaced by T.
Protein change: p.Thr191Met; replaces threonine 191 with methionine.
Molecular consequence: missense variant.
Genome position (GRCh38, 1-based): chr3:49,722,500, G>A on the plus strand (C>T on the coding strand, the complement: GMPPB is on the minus strand). VCF-style: chr3-49722500-G-A. GRCh37 (hg19) VCF-style: chr3-49759933-G-A.
Other names: c.572C>T, p.Thr191Met (NM_013334.4); short protein forms T191M.
Identifiers: ClinVar variation 1521025 (VCV001521025.6), dbSNP rs146287156, ClinGen allele CA2405506.

ClinVar aggregate classification (germline): Uncertain significance (1 of 4 stars; one submission).

Conditions:
Muscular dystrophy-dystroglycanopathy (congenital with impaired intellectual development), type B, 14. Also called: Congenital muscular dystrophy-dystroglycanopathy with mental retardation, type B14; Muscular dystrophy-dystroglycanopathy (congenital with intellectual disability), type B14; MUSCULAR DYSTROPHY, CONGENITAL, GMPPB-RELATED. Identifiers: MedGen C3809221, MONDO:0014141, OMIM 615351.
Autosomal recessive limb-girdle muscular dystrophy type 2T. Also called: MUSCULAR DYSTROPHY-DYSTROGLYCANOPATHY, LIMB-GIRDLE, GMPPB-RELATED; MUSCULAR DYSTROPHY, LIMB-GIRDLE, TYPE 2T; Muscular dystrophy-dystroglycanopathy (limb-girdle), type c, 14; Limb-girdle muscular dystrophy-dystroglycanopathy, type C14. Identifiers: Orphanet 363623, MedGen C4518000, MONDO:0014142, OMIM 615352.
Muscular dystrophy-dystroglycanopathy (congenital with brain and eye anomalies), type A14. Also called: Congenital muscular dystrophy-dystroglycanopathy with brain and eye anomalies, type A14; WALKER-WARBURG SYNDROME OR MUSCLE-EYE-BRAIN DISEASE, GMPPB-RELATED; Muscular dystrophy-dystroglycanopathy (congenital with brain and eye anomalies), type a, 14; Congenital Muscular Dystrophy-Dystroglycanopathy with Brain and Eye Anomalies Type A 14. Identifiers: Orphanet 588, MedGen C3809216, MONDO:0014140, OMIM 615350.

Allele frequency attached by ClinVar (database versions not stated): gnomAD 0.00001; TOPMed 0.00002; ExAC 0.00003; ESP Exome Variant Server 0.00015; gnomAD exomes 0.00003.
gnomAD v4.1: 36 of 1,614,042 alleles (0.0022%); highest among the groups gnomAD compares: South Asian, 0.0088%; no homozygotes.

Submission:

Labcorp Genetics (formerly Invitae), Labcorp
Classification: Uncertain significance for Autosomal recessive limb-girdle muscular dystrophy type 2T; Muscular dystrophy-dystroglycanopathy (congenital with brain and eye anomalies), type A14; Muscular dystrophy-dystroglycanopathy (congenital with impaired intellectual development), type B, 14. Last evaluated: 2022-05-03. Review status: criteria provided, single submitter. Criteria: Invitae Variant Classification Sherloc (09022015). Collection method: clinical testing. Allele origin: germline.
Comment: This sequence change replaces threonine, which is neutral and polar, with methionine, which is neutral and non-polar, at codon 191 of the GMPPB protein (p.Thr191Met). This variant is present in population databases (rs146287156, gnomAD 0.01%). This variant has not been reported in the literature in individuals affected with GMPPB-related conditions. Advanced modeling of protein sequence and biophysical properties (such as structural, functional, and spatial information, amino acid conservation, physicochemical variation, residue mobility, and thermodynamic stability) performed at Invitae indicates that this missense variant is not expected to disrupt GMPPB protein function. In summary, the available evidence is currently insufficient to determine the role of this variant in disease. Therefore, it has been classified as a Variant of Uncertain Significance.